The following is an entry in ClinVar:

ClinVar aggregate classification (germline): Pathogenic. Review status: criteria provided, multiple submitters, no conflicts (2 of 4 stars). 2 submissions from 2 submitters: Pathogenic (2). Last evaluated 2023-08-03.

Conditions:
Retinoblastoma (RB1). Also called: RETINOBLASTOMA, SOMATIC. Identifiers: Orphanet 790, MedGen C0035335, MeSH D012175, MONDO:0008380, OMIM 180200, HP:0009919. Disease mechanism: loss of function. Inheritance: Both sporadic and heritable forms are tested..

Submissions (2):

GeneDx
Classification: Pathogenic. Last evaluated: 2023-08-03. Review status: criteria provided, single submitter. Criteria: GeneDx Variant Classification Process June 2021. Collection method: clinical testing. Allele origin: germline. Affected: yes.
Comment: Frameshift variant predicted to result in protein truncation or nonsense mediated decay in a gene for which loss of function is a known mechanism of disease; Not observed at significant frequency in large population cohorts (gnomAD); Has not been previously published as pathogenic or benign to our knowledge; This variant is associated with the following publications: (PMID: 8926652, 27739435)

Neuberg Centre For Genomic Medicine, NCGM
Classification: Pathogenic for Retinoblastoma. Last evaluated: 2023-07-22. Review status: criteria provided, single submitter. Criteria: ACMG Guidelines, 2015. Collection method: clinical testing. Allele origin: germline. Inheritance: Autosomal dominant inheritance. Affected: yes.
Comment: The frame shift variant c.287delp.Lys96ArgfsTer15 in RB1 gene has been reported in heterozygous state in patients affected with Retinoblastoma Yang et. al., 2017: Zhang et. al., 1995. The observed variant is absent in gnomAD exomes database. This variant has been submitted to the ClinVar database as Pathogenic. This variant causes a frameshift starting with codon Lysine 96, changes this amino acid to Arginine residue, and creates a premature Stop codon at position 15 of the new reading frame, denoted p.Lys96ArgfsTer15. This variant is predicted to cause loss of normal protein function through protein truncation. Loss of function variants have been previously reported to be disease causing. For these reasons, this variant has been classified as Pathogenic.

NM_000321.3(RB1):c.287del (p.Lys96fs)

Gene: RB1 (RB transcriptional corepressor 1; plus strand). Cytogenetic location: 13q14.2.
Variant type: Deletion.
Coding change: c.287del on transcript NM_000321.3 (MANE Select); coding-DNA position 287, one base deleted (A; older notation c.287delA).
Protein change: p.Lys96fs; shifts the reading frame from lysine 96.
Molecular consequence: frameshift variant.
Genome position (GRCh38, 1-based): chr13:48,342,621, A deleted; the last of 5 consecutive A bases (chr13:48,342,617-48,342,621); deleting any one gives the same sequence. VCF-style (leftmost placement, unchanged base first): chr13-48342616-GA-G. GRCh37 (hg19) VCF-style: chr13-48916752-GA-G.
Other names: c.287delA (NM_000321.2); c.287del (NM_000321.2); short protein forms K96fs.
Identifiers: ClinVar variation 1197577 (VCV001197577.4), dbSNP rs2138083574, ClinGen allele CA2499222425.
Genomic context (GRCh38, chr13:48,342,616, plus strand): 5'-GAATTATTTAATGAAATATTTGATCTTTATTTTTTGTTCCCAGGGAGGTTATATTCAAAA[GA>G]AAAAGGAACTGTGGGGAATCTGTATCTTTATTGCAGCAGTTGACCTAGATGAGATGTCGT-3'